The following is an entry in ClinVar:

ClinVar aggregate classification (germline): Uncertain significance (1 of 4 stars; one submission).

Conditions:
Myopathy, proximal, and ophthalmoplegia (CMYO6). Also called: MYOPATHY WITH CONGENITAL JOINT CONTRACTURES, OPHTHALMOPLEGIA, AND RIMMED VACUOLES; CONGENITAL MYOPATHY 6 WITH OPHTHALMOPLEGIA; INCLUSION BODY MYOPATHY 3, AUTOSOMAL DOMINANT. Identifiers: Orphanet 363677, Orphanet 79091, MedGen C1854106, MONDO:0011577, OMIM 605637.

Submission:

Labcorp Genetics (formerly Invitae), Labcorp
Classification: Uncertain significance for Myopathy, proximal, and ophthalmoplegia. Last evaluated: 2022-07-12. Review status: criteria provided, single submitter. Criteria: Invitae Variant Classification Sherloc (09022015). Collection method: clinical testing. Allele origin: germline.
Comment: This variant has not been reported in the literature in individuals affected with MYH2-related conditions. ClinVar contains an entry for this variant (Variation ID: 1503951). Algorithms developed to predict the effect of missense changes on protein structure and function (SIFT, PolyPhen-2, Align-GVGD) all suggest that this variant is likely to be disruptive. In summary, the available evidence is currently insufficient to determine the role of this variant in disease. Therefore, it has been classified as a Variant of Uncertain Significance. This variant is not present in population databases (gnomAD no frequency). This sequence change replaces leucine, which is neutral and non-polar, with valine, which is neutral and non-polar, at codon 342 of the MYH2 protein (p.Leu342Val).

NM_017534.6(MYH2):c.1024T>G (p.Leu342Val)

Genes: MYH2 (myosin heavy chain 2; minus strand), MYHAS (myosin heavy chain gene cluster antisense RNA; plus strand). Cytogenetic location: 17p13.1.
Variant type: single nucleotide variant.
Coding change: c.1024T>G on transcript NM_017534.6 (MANE Select); coding-DNA position 1024, T replaced by G.
Protein change: p.Leu342Val; replaces leucine 342 with valine.
Molecular consequence: missense variant.
Genome position (GRCh38, 1-based): chr17:10,540,051, A>C on the plus strand (T>G on the coding strand, the complement: MYH2 is on the minus strand). VCF-style: chr17-10540051-A-C. GRCh37 (hg19) VCF-style: chr17-10443368-A-C.
Other names: c.1024T>G, p.Leu342Val (NM_001100112.2); short protein forms L342V.
Identifiers: ClinVar variation 1503951 (VCV001503951.8), dbSNP rs753710050, ClinGen allele CA287745481.